The following is an entry in ClinVar:

NM_002439.5(MSH3):c.2122G>A (p.Asp708Asn)

Gene: MSH3 (mutS homolog 3; plus strand). Cytogenetic location: 5q14.1.
Variant type: single nucleotide variant.
Coding change: c.2122G>A on transcript NM_002439.5 (MANE Select); coding-DNA position 2122, G replaced by A.
Protein change: p.Asp708Asn; replaces aspartic acid 708 with asparagine.
Molecular consequence: missense variant.
Genome position (GRCh38, 1-based): chr5:80,768,872, G>A. VCF-style: chr5-80768872-G-A. GRCh37 (hg19) VCF-style: chr5-80064691-G-A.
Other names: short protein forms D708N.
Identifiers: ClinVar variation 656332 (VCV000656332.14), dbSNP rs1580034820, ClinGen allele CA360279295.
Genomic context (GRCh38, chr5:80,768,872, plus strand): 5'-ATTTGCATGTTTTGATTTTTTAGAGTTGGGGATAAAACTGAATTATTTAAAGACCTTTCT[G>A]ACTTCCCTTTAATAAAAAAGAGGAAGGATGAAATTCAAGGTGTTATTGACGAGATCCGAA-3'
Protein context (NP_002430.3, residues 698-718): DKTELFKDLS[Asp708Asn]FPLIKKRKDE

ClinVar aggregate classification (germline): Uncertain significance. Review status: criteria provided, multiple submitters, no conflicts (2 of 4 stars). 2 submissions from 2 submitters: Uncertain significance (2). Last evaluated 2025-11-02.

Conditions:
Hereditary cancer-predisposing syndrome. Also called: Hereditary neoplastic syndrome; Tumor predisposition; Neoplastic Syndromes, Hereditary; Hereditary Cancer Syndrome. Identifiers: Orphanet 140162, MedGen C0027672, MeSH D009386, MONDO:0015356.

Allele frequency attached by ClinVar (database versions not stated): gnomAD exomes below 0.00001.
gnomAD v4.1: 2 of 1,611,124 alleles (0.00012%); highest among the groups gnomAD compares: Non-Finnish European, 0.000085%; no homozygotes.

Submissions (2):

Labcorp Genetics (formerly Invitae), Labcorp
Classification: Uncertain significance. Last evaluated: 2025-11-02. Review status: criteria provided, single submitter. Criteria: Invitae Variant Classification Sherloc (09022015). Collection method: clinical testing. Allele origin: germline.
Comment: This sequence change replaces aspartic acid, which is acidic and polar, with asparagine, which is neutral and polar, at codon 708 of the MSH3 protein (p.Asp708Asn). This variant is not present in population databases (gnomAD no frequency). This variant has not been reported in the literature in individuals affected with MSH3-related conditions. ClinVar contains an entry for this variant (Variation ID: 656332). An algorithm developed to predict the effect of missense changes on protein structure and function outputs the following: PolyPhen-2: "Benign". The asparagine amino acid residue is found in multiple mammalian species, which suggests that this missense change does not adversely affect protein function. Algorithms developed to predict the effect of sequence changes on RNA splicing suggest that this variant may create or strengthen a splice site. In summary, the available evidence is currently insufficient to determine the role of this variant in disease. Therefore, it has been classified as a Variant of Uncertain Significance.

Ambry Genetics
Classification: Uncertain significance for Hereditary cancer-predisposing syndrome. Last evaluated: 2025-03-02. Review status: criteria provided, single submitter. Criteria: Ambry Variant Classification Scheme 2023. Collection method: clinical testing. Allele origin: germline.
Comment: The p.D708N variant (also known as c.2122G>A), located in coding exon 15 of the MSH3 gene, results from a G to A substitution at nucleotide position 2122. The aspartic acid at codon 708 is replaced by asparagine, an amino acid with highly similar properties. This amino acid position is conserved. In addition, this alteration is predicted to be tolerated by in silico analysis. Since supporting evidence is limited at this time, the clinical significance of this alteration remains unclear.